The following is an entry in ClinVar:

NM_177559.3(CSNK2A1):c.746T>G (p.Leu249Arg)

Gene: CSNK2A1 (casein kinase 2 alpha 1; minus strand). Cytogenetic location: 20p13.
Variant type: single nucleotide variant.
Coding change: c.746T>G on transcript NM_177559.3 (MANE Select); coding-DNA position 746, T replaced by G.
Protein change: p.Leu249Arg; replaces leucine 249 with arginine.
Molecular consequence: missense variant.
Genome position (GRCh38, 1-based): chr20:488,756, A>C on the plus strand (T>G on the coding strand, the complement: CSNK2A1 is on the minus strand). VCF-style: chr20-488756-A-C. GRCh37 (hg19) VCF-style: chr20-469400-A-C.
Other names: c.746T>G, p.Leu249Arg (NM_001362770.2, NM_001362771.2, NM_001895.4); c.338T>G, p.Leu113Arg (NM_177560.3); short protein forms L113R, L249R.
Identifiers: ClinVar variation 1700750 (VCV001700750.3), dbSNP rs2122509911, ClinGen allele CA407926886.

ClinVar aggregate classification (germline): Uncertain significance (1 of 4 stars; one submission).

Submission:

GeneDx
Classification: Uncertain significance. Last evaluated: 2023-06-01. Review status: criteria provided, single submitter. Criteria: GeneDx Variant Classification Process June 2021. Collection method: clinical testing. Allele origin: germline. Affected: yes.
Comment: Not observed at significant frequency in large population cohorts (gnomAD); In silico analysis supports that this missense variant has a deleterious effect on protein structure/function; Has not been previously published as pathogenic or benign to our knowledge